The following is an entry in ClinVar:

NM_015909.4(NBAS):c.3728G>A (p.Ser1243Asn)

Gene: NBAS (NBAS subunit of NRZ tethering complex; minus strand). Cytogenetic location: 2p24.3.
Variant type: single nucleotide variant.
Coding change: c.3728G>A on transcript NM_015909.4 (MANE Select); coding-DNA position 3728, G replaced by A.
Protein change: p.Ser1243Asn; replaces serine 1243 with asparagine.
Molecular consequence: missense variant. On other transcripts: non-coding transcript variant (1).
Genome position (GRCh38, 1-based): chr2:15,366,669, C>T on the plus strand (G>A on the coding strand, the complement: NBAS is on the minus strand). VCF-style: chr2-15366669-C-T. GRCh37 (hg19) VCF-style: chr2-15506793-C-T.
Other names: short protein forms S1243N.
Identifiers: ClinVar variation 1937438 (VCV001937438.4), dbSNP rs762060492, ClinGen allele CA1535926.

ClinVar aggregate classification (germline): Uncertain significance (1 of 4 stars; one submission).

Allele frequency attached by ClinVar (database versions not stated): gnomAD exomes below 0.00001; gnomAD 0.00001; TOPMed 0.00001; ExAC 0.00002.
gnomAD v4.1: 4 of 1,613,932 alleles (0.00025%); highest among the groups gnomAD compares: Non-Finnish European, 0.00034%; no homozygotes.

Submission:

Labcorp Genetics (formerly Invitae), Labcorp
Classification: Uncertain significance. Last evaluated: 2022-01-17. Review status: criteria provided, single submitter. Criteria: Invitae Variant Classification Sherloc (09022015). Collection method: clinical testing. Allele origin: germline.
Comment: In summary, the available evidence is currently insufficient to determine the role of this variant in disease. Therefore, it has been classified as a Variant of Uncertain Significance. Algorithms developed to predict the effect of missense changes on protein structure and function (SIFT, PolyPhen-2, Align-GVGD) all suggest that this variant is likely to be tolerated. This variant has not been reported in the literature in individuals affected with NBAS-related conditions. This variant is present in population databases (rs762060492, gnomAD 0.003%). This sequence change replaces serine, which is neutral and polar, with asparagine, which is neutral and polar, at codon 1243 of the NBAS protein (p.Ser1243Asn).